The following is an entry in ClinVar:

NM_001267550.2(TTN):c.99560A>C (p.Lys33187Thr)

Genes: TTN (titin; minus strand), TTN-AS1 (TTN antisense RNA 1; plus strand). Cytogenetic location: 2q31.2.
Variant type: single nucleotide variant.
Coding change: c.99560A>C on transcript NM_001267550.2 (MANE Select); coding-DNA position 99560, A replaced by C.
Protein change: p.Lys33187Thr; replaces lysine 33187 with threonine.
Molecular consequence: missense variant. On other transcripts: non-coding transcript variant (1).
Genome position (GRCh38, 1-based): chr2:178,537,647, T>G on the plus strand (A>C on the coding strand, the complement: TTN is on the minus strand). VCF-style: chr2-178537647-T-G. GRCh37 (hg19) VCF-style: chr2-179402374-T-G.
Other names: c.94637A>C, p.Lys31546Thr (NM_001256850.1); c.72365A>C, p.Lys24122Thr (NM_003319.4); c.91856A>C, p.Lys30619Thr (NM_133378.4); c.72740A>C, p.Lys24247Thr (NM_133432.3); c.72941A>C, p.Lys24314Thr (NM_133437.4); short protein forms K30619T, K33187T, K24122T, K31546T, K24314T, K24247T.
Identifiers: ClinVar variation 497159 (VCV000497159.15), dbSNP rs560306385, ClinGen allele CA1986172.
Genomic context (GRCh38, chr2:178,537,647, plus strand): 5'-TAATATTTCTCTTTCAGTGGGTAACCAGGATGGAACTGCGGTGTTGCTTGCAGGAGAAGC[T>G]TACTACTGGTTTCTACTTCTCCAACCTCATTGGTGGCTATGCAGGTATAAACACCTTCAT-3'
Protein context (NP_001254479.2, residues 33177-33197): NEVGEVETSS[Lys33187Thr]LLLQATPQFH

ClinVar aggregate classification (germline): Conflicting classifications of pathogenicity. Review status: criteria provided, conflicting classifications (1 of 4 stars). 6 submissions from 6 submitters: Uncertain significance (3); Likely benign (3). Last evaluated 2026-08-24.

Conditions:
TTN-related disorder. Also called: TTN-related condition; TTN-related disease; TTN-related disorders.
Cardiovascular phenotype. Identifiers: MedGen CN230736.

Allele frequency attached by ClinVar (database versions not stated): gnomAD 0.00019; 1000 Genomes Project 0.00020; TOPMed 0.00036; 1000 Genomes Project 30x 0.00094.
gnomAD v4.1: 55 of 1,613,752 alleles (0.0034%); highest among the groups gnomAD compares: Admixed American, 0.065%; no homozygotes.

Submissions (6):

PreventionGenetics, part of Exact Sciences
Classification: Uncertain significance for TTN-related condition. Last evaluated: 2026-08-24. Review status: criteria provided, single submitter. Criteria: ACMG Guidelines, 2015. Collection method: clinical testing. Allele origin: germline.
Comment: The TTN c.99560A>C variant is predicted to result in the amino acid substitution p.Lys33187Thr. To our knowledge, this variant has not been reported in the literature. This variant is reported in 0.014% of alleles in individuals of Latino descent in gnomAD. At this time, the clinical significance of this variant is uncertain due to the absence of conclusive functional and genetic evidence.

Revvity Omics, Revvity
Classification: Uncertain significance. Last evaluated: 2022-03-22. Review status: criteria provided, single submitter. Criteria: ACMG Guidelines, 2015. Collection method: clinical testing. Allele origin: germline.

GeneDx
Classification: Likely benign. Last evaluated: 2020-09-29. Review status: criteria provided, single submitter. Criteria: GeneDx Variant Classification Process June 2021. Collection method: clinical testing. Allele origin: germline. Affected: yes.

Ambry Genetics
Classification: Likely benign for Cardiovascular phenotype. Last evaluated: 2020-09-04. Review status: criteria provided, single submitter. Criteria: Ambry Variant Classification Scheme 2023. Collection method: clinical testing. Allele origin: germline.

Women's Health and Genetics/Laboratory Corporation of America, LabCorp
Classification: Likely benign. Last evaluated: 2020-07-20. Review status: criteria provided, single submitter. Criteria: LabCorp Variant Classification Summary - May 2015. Collection method: clinical testing. Allele origin: germline.
Comment: Variant summary: TTN c.91856A>C (p.Lys30619Thr) results in a non-conservative amino acid change located in the A-band region of the encoded protein sequence. Three of five in-silico tools predict a damaging effect of the variant on protein function. The variant allele was found at a frequency of 9.4e-05 in 392134 control chromosomes, predominantly at a frequency of 0.0005 within the Latino subpopulation in the gnomAD database (gnomAD v2 exomes dataset, and gnomAD v3 genomes dataset). The observed variant frequency within Latino control individuals in the gnomAD database is approximately 1.3 fold of the estimated maximal expected allele frequency for a pathogenic variant in TTN causing Dilated Cardiomyopathy phenotype (0.00039), strongly suggesting that the variant is a benign polymorphism. To our knowledge, no occurrence of c.91856A>C in individuals affected with Dilated Cardiomyopathy and no experimental evidence demonstrating its impact on protein function have been reported. One clinical diagnostic laboratory has submitted clinical-significance assessments for this variant to ClinVar after 2014 without evidence for independent evaluation, and classified the variant as uncertain significance. Based on the evidence outlined above, the variant was classified as likely benign.

Eurofins Ntd Llc (ga)
Classification: Uncertain significance. Last evaluated: 2016-09-30. Review status: criteria provided, single submitter. Criteria: EGL Classification Definitions 2015. Collection method: clinical testing. Allele origin: germline. Observed: 4 variant alleles, 4 heterozygotes.